The following is an entry in ClinVar:

ClinVar aggregate classification (germline): Benign. Review status: criteria provided, multiple submitters, no conflicts (2 of 4 stars). 7 submissions from 7 submitters: Benign (6). 1 of the submissions does not count toward it. Last evaluated 2026-02-03.

Conditions:
Inborn genetic diseases. Identifiers: MedGen C0950123, MeSH D030342.
Kleefstra syndrome 1 (KLEFS1). Identifiers: Orphanet 261494, MedGen C0795833, MONDO:0027407, OMIM 610253.

Allele frequency attached by ClinVar (database versions not stated): ExAC 0.01644; TOPMed 0.05539; gnomAD 0.04901; 1000 Genomes Project 0.06290; gnomAD exomes 0.01322; ESP Exome Variant Server 0.05559; 1000 Genomes Project 30x 0.06730.
gnomAD v4.1: 15,100 of 1,614,062 alleles (0.94%); highest among the groups gnomAD compares: African/African-American, 17%; 1,184 homozygotes.

Submissions (7):

Labcorp Genetics (formerly Invitae), Labcorp
Classification: Benign for Kleefstra syndrome 1. Last evaluated: 2026-02-03. Review status: criteria provided, single submitter. Criteria: Invitae Variant Classification Sherloc (09022015). Collection method: clinical testing. Allele origin: germline.

Mayo Clinic Laboratories, Mayo Clinic
Classification: Benign. Last evaluated: 2022-07-01. Review status: criteria provided, single submitter. Criteria: ACMG Guidelines, 2015. Collection method: clinical testing. Allele origin: germline. Observed: 13 variant alleles.

GeneDx
Classification: Benign. Last evaluated: 2018-07-17. Review status: criteria provided, single submitter. Criteria: GeneDx Variant Classification Process June 2021. Collection method: clinical testing. Allele origin: germline. Affected: yes.

Ambry Genetics
Classification: Benign for Inborn genetic diseases. Last evaluated: 2016-04-15. Review status: criteria provided, single submitter. Criteria: Ambry Variant Classification Scheme 2023. Collection method: clinical testing. Allele origin: germline.

Eurofins Ntd Llc (ga)
Classification: Benign. Last evaluated: 2013-08-30. Review status: criteria provided, single submitter. Criteria: EGL Classification Definitions 2015. Collection method: clinical testing. Allele origin: germline. Observed: 2 variant alleles, 2 heterozygotes.

Breakthrough Genomics
Classification: Benign. Review status: criteria provided, single submitter. Criteria: ACMG Guidelines, 2015. Collection method: not provided. Allele origin: germline. Inheritance: Autosomal dominant inheritance. Affected: yes.

Genetic Services Laboratory, University of Chicago
Classification: Likely benign for AllHighlyPenetrant. Review status: no assertion criteria provided. Collection method: clinical testing. Allele origin: germline. Inheritance: Autosomal dominant inheritance. Not counted in ClinVar's aggregate classification.
Comment: Likely benign based on allele frequency in 1000 Genomes Project or ESP global frequency and its presence in a patient with a rare or unrelated disease phenotype. NOT Sanger confirmed.

NM_024757.5(EHMT1):c.1869C>T (p.Asn623=)

Gene: EHMT1 (euchromatic histone lysine methyltransferase 1; plus strand). Cytogenetic location: 9q34.3.
Variant type: single nucleotide variant.
Coding change: c.1869C>T on transcript NM_024757.5 (MANE Select); coding-DNA position 1869, C replaced by T.
Protein change: p.Asn623=; no amino-acid change (asparagine 623 retained).
Molecular consequence: synonymous variant.
Genome position (GRCh38, 1-based): chr9:137,776,695, C>T. VCF-style: chr9-137776695-C-T. GRCh37 (hg19) VCF-style: chr9-140671147-C-T.
Other names: p.Asn623=; c.1869C>T, p.Asn623= (NM_001145527.2); c.1776C>T, p.Asn592= (NM_001354259.2); c.1848C>T, p.Asn616= (NM_001354263.2).
Identifiers: ClinVar variation 96145 (VCV000096145.27), dbSNP rs7868455, ClinGen allele CA149293.